The following is an entry in ClinVar:

ClinVar aggregate classification (germline): Uncertain significance (1 of 4 stars; one submission).

Submission:

Labcorp Genetics (formerly Invitae), Labcorp
Classification: Uncertain significance. Last evaluated: 2025-08-21. Review status: criteria provided, single submitter. Criteria: Invitae Variant Classification Sherloc (09022015). Collection method: clinical testing. Allele origin: germline.
Comment: This sequence change replaces glutamic acid, which is acidic and polar, with aspartic acid, which is acidic and polar, at codon 857 of the ARHGEF1 protein (p.Glu857Asp). This variant is not present in population databases (gnomAD no frequency). This variant has not been reported in the literature in individuals affected with ARHGEF1-related conditions. An algorithm developed to predict the effect of missense changes on protein structure and function (PolyPhen-2) suggests that this variant is likely to be tolerated. In summary, the available evidence is currently insufficient to determine the role of this variant in disease. Therefore, it has been classified as a Variant of Uncertain Significance.

NM_004706.4(ARHGEF1):c.2526G>C (p.Glu842Asp)

Gene: ARHGEF1 (Rho guanine nucleotide exchange factor 1; plus strand). Cytogenetic location: 19q13.2.
Variant type: single nucleotide variant.
Coding change: c.2526G>C on transcript NM_004706.4 (MANE Select); coding-DNA position 2526, G replaced by C.
Protein change: p.Glu842Asp; replaces glutamic acid 842 with aspartic acid.
Molecular consequence: missense variant. On other transcripts: non-coding transcript variant (2), intron variant (4).
Genome position (GRCh38, 1-based): chr19:41,906,491, G>C. VCF-style: chr19-41906491-G-C. GRCh37 (hg19) VCF-style: chr19-42410643-G-C.
Other names: c.2694G>C, p.Glu898Asp (NM_001396000.1); c.2427G>C, p.Glu809Asp (NM_198977.2); c.2571G>C, p.Glu857Asp (NM_199002.2); c.2492-212G>C (NM_001396003.1, NM_001396006.1); c.2393-212G>C (NM_001396002.1, NM_001396004.1); short protein forms E857D, E898D, E809D, E842D.
Identifiers: ClinVar variation 4752843 (VCV004752843.1).